The following is an entry in ClinVar:

ClinVar aggregate classification (germline): Uncertain significance (1 of 4 stars; one submission).

Submission:

Labcorp Genetics (formerly Invitae), Labcorp
Classification: Uncertain significance. Last evaluated: 2025-11-24. Review status: criteria provided, single submitter. Criteria: Invitae Variant Classification Sherloc (09022015). Collection method: clinical testing. Allele origin: germline.
Comment: This variant, c.309_317dup, results in the insertion of 3 amino acid(s) of the SLC12A2 protein (p.Ala105_Ala107dup), but otherwise preserves the integrity of the reading frame. The frequency data for this variant in the population databases is considered unreliable, as metrics indicate poor data quality at this position in the gnomAD database. This variant has not been reported in the literature in individuals affected with SLC12A2-related conditions. ClinVar contains an entry for this variant (Variation ID: 1348417). Experimental studies and prediction algorithms are not available or were not evaluated, and the functional significance of this variant is currently unknown. In summary, the available evidence is currently insufficient to determine the role of this variant in disease. Therefore, it has been classified as a Variant of Uncertain Significance.

NM_001046.3(SLC12A2):c.309_317dup (p.Ala105_Ala107dup)

Genes: SLC12A2 (solute carrier family 12 member 2; plus strand), LOC129994526 (ATAC-STARR-seq lymphoblastoid silent region 16295; plus strand). Cytogenetic location: 5q23.3.
Variant type: Duplication.
Coding change: c.309_317dup on transcript NM_001046.3 (MANE Select); coding-DNA positions 309 to 317, 9 bases duplicated (AGCGGCGGC; older notation c.309_317dupAGCGGCGGC).
Protein change: p.Ala105_Ala107dup.
Molecular consequence: inframe insertion. On other transcripts: non-coding transcript variant (1).
Genome position (GRCh38, 1-based): chr5:128,084,263-128,084,271, AGCGGCGGC duplicated; duplicating any 9 consecutive bases within chr5:128,084,255-128,084,271 gives the same sequence; the c. name uses the placement nearest the transcript's 3' end. VCF-style (leftmost placement, unchanged base first): chr5-128084254-G-GGCGGCGGCA. GRCh37 (hg19) VCF-style: chr5-127419946-G-GGCGGCGGCA.
Other names: c.309_317dup, p.Ala105_Ala107dup (NM_001256461.2).
Identifiers: ClinVar variation 1348417 (VCV001348417.8), dbSNP rs775523273, ClinGen allele CA3392766.
Genomic context (GRCh38, chr5:128,084,254, plus strand): 5'-TTTCCAGGTGGACCTGGTTTCCGAGAACGCCGGGCGGGCCGCTGCTGCGGCGGCGGCGGC[G>GGCGGCGGCA]GCGGCGGCAGCGGCGGCGGCTGGTGCTGGGGCGGGGGCCAAGCAGACCCCCGCGGACGGG-3'